The following is an entry in ClinVar:

ClinVar aggregate classification (germline): Uncertain significance. Review status: criteria provided, multiple submitters, no conflicts (2 of 4 stars). 4 submissions from 4 submitters: Uncertain significance (4). Last evaluated 2024-05-08.

Conditions:
Lynch syndrome 5 (LYNCH5). Also called: Colorectal cancer, hereditary nonpolyposis, type 5; Hereditary non-polyposis colorectal cancer, type 5. Identifiers: Orphanet 144, MedGen C1833477, MONDO:0013710, OMIM 614350. Disease mechanism: loss of function.
Hereditary nonpolyposis colorectal neoplasms. Identifiers: MedGen C0009405, MeSH D003123.
Hereditary cancer-predisposing syndrome. Also called: Neoplastic Syndromes, Hereditary; Tumor predisposition; Hereditary Cancer Syndrome; Hereditary neoplastic syndrome. Identifiers: Orphanet 140162, MedGen C0027672, MeSH D009386, MONDO:0015356.

Submissions (4):

Molecular Pathology, Peter Maccallum Cancer Centre
Classification: Uncertain significance for Lynch syndrome 5. Last evaluated: 2024-05-08. Review status: criteria provided, single submitter. Criteria: ACMG Guidelines, 2015. Collection method: clinical testing. Allele origin: germline. Inheritance: Autosomal dominant inheritance.

Labcorp Genetics (formerly Invitae), Labcorp
Classification: Uncertain significance for Hereditary nonpolyposis colorectal neoplasms. Last evaluated: 2022-03-03. Review status: criteria provided, single submitter. Criteria: Invitae Variant Classification Sherloc (09022015). Collection method: clinical testing. Allele origin: germline.
Comment: This sequence change replaces serine, which is neutral and polar, with phenylalanine, which is neutral and non-polar, at codon 549 of the MSH6 protein (p.Ser549Phe). This variant is not present in population databases (gnomAD no frequency). This variant has not been reported in the literature in individuals affected with MSH6-related conditions. ClinVar contains an entry for this variant (Variation ID: 926628). Advanced modeling of protein sequence and biophysical properties (such as structural, functional, and spatial information, amino acid conservation, physicochemical variation, residue mobility, and thermodynamic stability) performed at Invitae indicates that this missense variant is not expected to disrupt MSH6 protein function. In summary, the available evidence is currently insufficient to determine the role of this variant in disease. Therefore, it has been classified as a Variant of Uncertain Significance.

Color Diagnostics, LLC DBA Color Health
Classification: Uncertain significance for Hereditary cancer-predisposing syndrome. Last evaluated: 2021-11-18. Review status: criteria provided, single submitter. Criteria: ACMG Guidelines, 2015. Collection method: clinical testing. Allele origin: germline.
Comment: This missense variant replaces serine with phenylalanine at codon 549 of the MSH6 protein. Computational prediction suggests that this variant may not impact protein structure and function (internally defined REVEL score threshold <= 0.5, PMID: 27666373). Splice site prediction tools suggest that this variant may not impact RNA splicing. To our knowledge, functional studies have not been performed for this variant. This variant has not been reported in individuals affected with hereditary cancer in the literature. This variant has not been identified in the general population by the Genome Aggregation Database (gnomAD). The available evidence is insufficient to determine the role of this variant in disease conclusively. Therefore, this variant is classified as a Variant of Uncertain Significance.

Ambry Genetics
Classification: Uncertain significance for Hereditary cancer-predisposing syndrome. Last evaluated: 2020-09-30. Review status: criteria provided, single submitter. Criteria: Ambry Variant Classification Scheme 2023. Collection method: clinical testing. Allele origin: germline.
Comment: The p.S549F variant (also known as c.1646C>T), located in coding exon 4 of the MSH6 gene, results from a C to T substitution at nucleotide position 1646. The serine at codon 549 is replaced by phenylalanine, an amino acid with highly dissimilar properties. This amino acid position is not well conserved in available vertebrate species. In addition, the in silico prediction for this alteration is inconclusive. Since supporting evidence is limited at this time, the clinical significance of this alteration remains unclear.

NM_000179.3(MSH6):c.1646C>T (p.Ser549Phe)

Gene: MSH6 (mutS homolog 6; plus strand). Cytogenetic location: 2p16.3.
Variant type: single nucleotide variant.
Coding change: c.1646C>T on transcript NM_000179.3 (MANE Select); coding-DNA position 1646, C replaced by T.
Protein change: p.Ser549Phe; replaces serine 549 with phenylalanine.
Molecular consequence: missense variant.
Genome position (GRCh38, 1-based): chr2:47,799,629, C>T. VCF-style: chr2-47799629-C-T. GRCh37 (hg19) VCF-style: chr2-48026768-C-T.
Other names: c.1256C>T, p.Ser419Phe (NM_001281492.2); c.740C>T, p.Ser247Phe (NM_001281493.2, NM_001281494.2); short protein forms S549F, S419F, S247F.
Identifiers: ClinVar variation 926628 (VCV000926628.15), dbSNP rs200447622, ClinGen allele CA346747259.